The following is an entry in ClinVar:

ClinVar aggregate classification (germline): Pathogenic/Likely pathogenic. Review status: criteria provided, multiple submitters, no conflicts (2 of 4 stars). 3 submissions from 3 submitters: Pathogenic (2); Likely pathogenic (1). Last evaluated 2024-10-13.

Conditions:
Cardiovascular phenotype. Identifiers: MedGen CN230736.
Hereditary cancer-predisposing syndrome. Also called: Hereditary Cancer Syndrome; Hereditary neoplastic syndrome; Neoplastic Syndromes, Hereditary; Tumor predisposition. Identifiers: Orphanet 140162, MedGen C0027672, MeSH D009386, MONDO:0015356.
LZTR1-related disorder. Also called: LZTR1-related disorders; LZTR1-related condition.

Allele frequency attached by ClinVar (database versions not stated): gnomAD exomes below 0.00001.
gnomAD v4.1: 2 of 1,579,172 alleles (0.00013%); highest among the groups gnomAD compares: Non-Finnish European, 0.00017%; no homozygotes.

Submissions (3):

Labcorp Genetics (formerly Invitae), Labcorp
Classification: Pathogenic. Last evaluated: 2024-10-13. Review status: criteria provided, single submitter. Criteria: Invitae Variant Classification Sherloc (09022015). Collection method: clinical testing. Allele origin: germline.
Comment: This sequence change creates a premature translational stop signal (p.Gln487*) in the LZTR1 gene. It is expected to result in an absent or disrupted protein product. Loss-of-function variants in LZTR1 are known to be pathogenic (PMID: 24362817, 25335493, 25480913, 25795793, 29469822, 30368668, 30442762, 30442766, 30481304, 30859559). This variant is not present in population databases (gnomAD no frequency). This variant has not been reported in the literature in individuals affected with LZTR1-related conditions. ClinVar contains an entry for this variant (Variation ID: 1773103). For these reasons, this variant has been classified as Pathogenic.

Blueprint Genetics
Classification: Likely pathogenic for LZTR1-related disorders. Last evaluated: 2023-06-30. Review status: criteria provided, single submitter. Criteria: ACMG Guidelines, 2015. Collection method: clinical testing. Allele origin: germline. Affected: yes. Observed: 1 variant allele.

Ambry Genetics
Classification: Pathogenic for Cardiovascular phenotype; Hereditary cancer-predisposing syndrome. Last evaluated: 2022-08-04. Review status: criteria provided, single submitter. Criteria: Ambry Variant Classification Scheme 2023. Collection method: clinical testing. Allele origin: germline.
Comment: The p.Q487* pathogenic mutation (also known as c.1459C>T), located in coding exon 14 of the LZTR1 gene, results from a C to T substitution at nucleotide position 1459. This changes the amino acid from a glutamine to a stop codon within coding exon 14. This alteration is expected to result in loss of function by premature protein truncation or nonsense-mediated mRNA decay. Loss-of-function variants in LZTR1 are related to an increased risk for schwannomas and autosomal recessive Noonan syndrome; however, such associations with autosomal dominant Noonan syndrome have not been observed (Piotrowski A et al. Nat Genet. 2014 Feb;46:182-7; Yamamoto GL et al. J Med Genet. 2015 Jun;52:413-21; Johnston JJ et al. Genet Med. 2018 10;20:1175-1185). Based on the supporting evidence, this variant is pathogenic for an increased risk of LZTR1-related schwannomatosis (SWN) and would be expected to cause autosomal recessive Noonan syndrome when present along with a second pathogenic or likely pathogenic variant on the other allele; however, the association of this alteration with autosomal dominant Noonan syndrome is unlikely.

Literature cited by the submitters: PubMed 24362817 (cited by Labcorp Genetics (formerly Invitae), Labcorp); PubMed 25335493 (cited by Labcorp Genetics (formerly Invitae), Labcorp); PubMed 25480913 (cited by Labcorp Genetics (formerly Invitae), Labcorp); PubMed 25795793 (cited by Labcorp Genetics (formerly Invitae), Labcorp); PubMed 29469822 (cited by Labcorp Genetics (formerly Invitae), Labcorp); PubMed 30368668 (cited by Labcorp Genetics (formerly Invitae), Labcorp); PubMed 30442762 (cited by Labcorp Genetics (formerly Invitae), Labcorp); PubMed 30442766 (cited by Labcorp Genetics (formerly Invitae), Labcorp); PubMed 30481304 (cited by Labcorp Genetics (formerly Invitae), Labcorp); PubMed 30859559 (cited by Labcorp Genetics (formerly Invitae), Labcorp).

NM_006767.4(LZTR1):c.1459C>T (p.Gln487Ter)

Gene: LZTR1 (leucine zipper like post translational regulator 1; plus strand). Cytogenetic location: 22q11.21.
Variant type: single nucleotide variant.
Coding change: c.1459C>T on transcript NM_006767.4 (MANE Select); coding-DNA position 1459, C replaced by T.
Protein change: p.Gln487Ter; replaces glutamine 487 with a stop codon.
Molecular consequence: nonsense.
Genome position (GRCh38, 1-based): chr22:20,994,113, C>T. VCF-style: chr22-20994113-C-T. GRCh37 (hg19) VCF-style: chr22-21348402-C-T.
Other names: short protein forms Q487*.
Identifiers: ClinVar variation 1773103 (VCV001773103.5), dbSNP rs2518620713, ClinGen allele CA410775469.